The following is an entry in ClinVar:

NM_032578.4(MYPN):c.3332A>T (p.Gln1111Leu)

Gene: MYPN (myopalladin; plus strand). Cytogenetic location: 10q21.3.
Variant type: single nucleotide variant.
Coding change: c.3332A>T on transcript NM_032578.4 (MANE Select); coding-DNA position 3332, A replaced by T.
Protein change: p.Gln1111Leu; replaces glutamine 1111 with leucine.
Molecular consequence: missense variant. On other transcripts: non-coding transcript variant (2).
Genome position (GRCh38, 1-based): chr10:68,199,414, A>T. VCF-style: chr10-68199414-A-T. GRCh37 (hg19) VCF-style: chr10-69959171-A-T.
Other names: c.3332A>T, p.Gln1111Leu (NM_001256267.2); c.2450A>T, p.Gln817Leu (NM_001256268.2); short protein forms Q1111L, Q817L.
Identifiers: ClinVar variation 3228169 (VCV003228169.1), dbSNP rs2495965757, ClinGen allele CA376859011.

ClinVar aggregate classification (germline): Uncertain significance (1 of 4 stars; one submission).

Conditions:
Cardiovascular phenotype. Identifiers: MedGen CN230736.

Submission:

Ambry Genetics
Classification: Uncertain significance for Cardiovascular phenotype. Last evaluated: 2023-11-17. Review status: criteria provided, single submitter. Criteria: Ambry Variant Classification Scheme 2023. Collection method: clinical testing. Allele origin: germline.
Comment: The p.Q1111L variant (also known as c.3332A>T), located in coding exon 16 of the MYPN gene, results from an A to T substitution at nucleotide position 3332. The glutamine at codon 1111 is replaced by leucine, an amino acid with dissimilar properties. This alteration has been reported in association with dilated cardiomyopathy (DCM) (Guelly C et al. PeerJ, 2021 Jan;9:e10711). This amino acid position is not well conserved in available vertebrate species. In addition, this alteration is predicted to be tolerated by in silico analysis. Since supporting evidence is limited at this time, the clinical significance of this alteration remains unclear.

Literature cited by the submitters: PubMed 33552729.